The following is an entry in ClinVar:

ClinVar aggregate classification (germline): Benign/Likely benign. Review status: criteria provided, multiple submitters, no conflicts (2 of 4 stars). 4 submissions from 4 submitters: Benign (3); Likely benign (1). Last evaluated 2026-01-19.

Conditions:
TMEM107-related disorder. Also called: TMEM107-related condition.

Allele frequency attached by ClinVar (database versions not stated): 1000 Genomes Project 0.01438; 1000 Genomes Project 30x 0.01483; gnomAD 0.01577 and 0.01611; ESP Exome Variant Server 0.01779.
gnomAD v4.1: 7,788 of 765,346 alleles (1%); highest among the groups gnomAD compares: African/African-American, 3.5%; 81 homozygotes.

Submissions (4):

Labcorp Genetics (formerly Invitae), Labcorp
Classification: Benign. Last evaluated: 2026-01-19. Review status: criteria provided, single submitter. Criteria: Invitae Variant Classification Sherloc (09022015). Collection method: clinical testing. Allele origin: germline.

PreventionGenetics, part of Exact Sciences
Classification: Benign for TMEM107-related condition. Last evaluated: 2024-12-02. Review status: criteria provided, single submitter. Criteria: ACMG Guidelines, 2015. Collection method: clinical testing. Allele origin: germline.
Comment: This variant is classified as benign based on ACMG/AMP sequence variant interpretation guidelines (Richards et al. 2015 PMID: 25741868, with internal and published modifications).

GeneDx
Classification: Likely benign. Last evaluated: 2021-05-22. Review status: criteria provided, single submitter. Criteria: GeneDx Variant Classification Process June 2021. Collection method: clinical testing. Allele origin: germline. Affected: yes.
Comment: See Variant Classification Assertion Criteria.

Breakthrough Genomics
Classification: Benign. Review status: criteria provided, single submitter. Criteria: ACMG Guidelines, 2015. Collection method: not provided. Allele origin: germline. Inheritance: Autosomal recessive inheritance. Affected: yes.

NR_033294.2(SNORD118):n.33C>T

Genes: SNORD118 (small nucleolar RNA, C/D box 118; minus strand), TMEM107 (transmembrane protein 107; minus strand). Cytogenetic location: 17p13.1.
Variant type: single nucleotide variant.
Molecular consequence: non-coding transcript variant (on NR_033294.2). On other transcripts: 3 prime UTR variant (5).
Genome position: GRCh38 VCF-style: chr17-8173556-G-A. GRCh37 (hg19) VCF-style: chr17-8076874-G-A.
Other names: c.*647C>T (NM_001351278.2, NM_001351279.2, NM_001351280.2 and 3 more transcripts).
Identifiers: ClinVar variation 1584395 (VCV001584395.11), dbSNP rs116658491, ClinGen allele CA8370776.